The following is an entry in ClinVar:

NM_000051.4(ATM):c.4844del (p.Lys1615fs)

Gene: ATM (ATM serine/threonine kinase; plus strand). Cytogenetic location: 11q22.3.
Variant type: Deletion.
Coding change: c.4844del on transcript NM_000051.4 (MANE Select); coding-DNA position 4844, one base deleted (A; older notation c.4844delA).
Protein change: p.Lys1615fs; shifts the reading frame from lysine 1615.
Molecular consequence: frameshift variant.
Genome position (GRCh38, 1-based): chr11:108,294,994, A deleted; the last of 3 consecutive A bases (chr11:108,294,992-108,294,994); deleting any one gives the same sequence. VCF-style (leftmost placement, unchanged base first): chr11-108294991-TA-T. GRCh37 (hg19) VCF-style: chr11-108165718-TA-T.
Other names: c.4844delA (NM_000051.3); c.4844del, p.Lys1615fs (NM_001351834.2); short protein forms K1615fs.
Identifiers: ClinVar variation 478996 (VCV000478996.20), dbSNP rs1555101791, ClinGen allele CA658656201.

ClinVar aggregate classification (germline): Pathogenic. Review status: criteria provided, multiple submitters, no conflicts (2 of 4 stars). 5 submissions from 5 submitters: Pathogenic (5). Last evaluated 2026-03-17.

Conditions:
Ataxia-telangiectasia syndrome (AT). Also called: Ataxia-telangiectasia, complementation group E; Ataxia-telangiectasia, complementation group D; AT, COMPLEMENTATION GROUP C; ATAXIA-TELANGIECTASIA, COMPLEMENTATION GROUP A; ATAXIA-TELANGIECTASIA, FRESNO VARIANT; Ataxia-telangiectasia. Identifiers: Orphanet 100, MedGen C0004135, MONDO:0008840, OMIM 208900.
Familial cancer of breast. Also called: Hereditary breast cancer; BREAST CANCER, FAMILIAL; hereditary breast carcinoma. Identifiers: Orphanet 227535, MedGen C0346153, MONDO:0016419, OMIM 114480. Disease mechanism: loss of function.
Hereditary cancer-predisposing syndrome. Also called: Tumor predisposition; Hereditary Cancer Syndrome; Neoplastic Syndromes, Hereditary; Hereditary neoplastic syndrome. Identifiers: Orphanet 140162, MedGen C0027672, MeSH D009386, MONDO:0015356.

Submissions (5):

Myriad Genetics, Inc.
Classification: Pathogenic for Familial cancer of breast. Last evaluated: 2026-03-17. Review status: criteria provided, single submitter. Criteria: Myriad Autosomal Dominant, Autosomal Recessive and X-Linked Classification Criteria (2023). Collection method: clinical testing. Allele origin: unknown.
Comment: This variant is considered pathogenic. This variant creates a frameshift predicted to result in premature protein truncation.

Labcorp Genetics (formerly Invitae), Labcorp
Classification: Pathogenic for Ataxia-telangiectasia syndrome. Last evaluated: 2025-12-22. Review status: criteria provided, single submitter. Criteria: Invitae Variant Classification Sherloc (09022015). Collection method: clinical testing. Allele origin: germline.
Comment: This sequence change creates a premature translational stop signal (p.Lys1615Argfs*18) in the ATM gene. It is expected to result in an absent or disrupted protein product. Loss-of-function variants in ATM are known to be pathogenic (PMID: 23807571, 25614872). This variant is not present in population databases (gnomAD no frequency). This premature translational stop signal has been observed in individual(s) with ataxia-telangiectasia (PMID: 17124347, 24568663). This variant is also known as 4842delA. ClinVar contains an entry for this variant (Variation ID: 478996). For these reasons, this variant has been classified as Pathogenic.

Ambry Genetics
Classification: Pathogenic for Hereditary cancer-predisposing syndrome. Last evaluated: 2024-04-26. Review status: criteria provided, single submitter. Criteria: Ambry Variant Classification Scheme 2023. Collection method: clinical testing. Allele origin: germline.
Comment: The c.4844delA pathogenic mutation, located in coding exon 31 of the ATM gene, results from a deletion of one nucleotide at nucleotide position 4844, causing a translational frameshift with a predicted alternate stop codon (p.K1615Rfs*18). This mutation has been reported in multiple individuals with ataxia-telangiectasia (A-T) (Magliozzi M et al. Dis. Markers. 2006;22:257-64; Mohammadinejad P et al. J Immunoassay Immunochem. 2015;36:16-26). Of note, this alteration is also designated as 4842delA in published literature. This variant is considered to be rare based on population cohorts in the Genome Aggregation Database (gnomAD). In addition to the clinical data presented in the literature, this alteration is expected to result in loss of function by premature protein truncation or nonsense-mediated mRNA decay. As such, this alteration is interpreted as a disease-causing mutation.

Women's Health and Genetics/Laboratory Corporation of America, LabCorp
Classification: Pathogenic for Ataxia-telangiectasia syndrome. Last evaluated: 2020-02-14. Review status: criteria provided, single submitter. Criteria: LabCorp Variant Classification Summary - May 2015. Collection method: clinical testing. Allele origin: germline.
Comment: Variant summary: ATM c.4844delA (p.Lys1615ArgfsX18) results in a premature termination codon, predicted to cause a truncation of the encoded protein or absence of the protein due to nonsense mediated decay, which are commonly known mechanisms for disease. Truncations downstream of this position have been classified as pathogenic by our laboratory. The variant was absent in 251350 control chromosomes (gnomAD). c.4844delA has been reported in the literature in individuals affected with Ataxia-Telangiectasia (Magliozzi_2006, Mohammadinejad_2015). These data indicate that the variant may be associated with disease. To our knowledge, no experimental evidence demonstrating an impact on protein function has been reported. Two ClinVar submitters (evaluation after 2014) cite the variant as pathogenic. Based on the evidence outlined above, the variant was classified as pathogenic.

Revvity Omics, Revvity
Classification: Pathogenic for Ataxia-telangiectasia syndrome. Last evaluated: 2019-06-04. Review status: criteria provided, single submitter. Criteria: ACMG Guidelines, 2015. Collection method: clinical testing. Allele origin: germline.

Literature cited by the submitters: PubMed 23807571 (cited by Labcorp Genetics (formerly Invitae), Labcorp); PubMed 25614872 (cited by Labcorp Genetics (formerly Invitae), Labcorp); PubMed 17124347 (cited by 3 submitters); PubMed 24568663 (cited by 3 submitters).